The following is an entry in ClinVar:

NM_203447.4(DOCK8):c.2254C>G (p.Gln752Glu)

Gene: DOCK8 (dedicator of cytokinesis 8; plus strand). Cytogenetic location: 9p24.3.
Variant type: single nucleotide variant.
Coding change: c.2254C>G on transcript NM_203447.4 (MANE Select); coding-DNA position 2254, C replaced by G.
Protein change: p.Gln752Glu; replaces glutamine 752 with glutamic acid.
Molecular consequence: missense variant.
Genome position (GRCh38, 1-based): chr9:377,025, C>G. VCF-style: chr9-377025-C-G. GRCh37 (hg19) VCF-style: chr9-377025-C-G.
Other names: c.2050C>G, p.Gln684Glu (NM_001190458.2, NM_001193536.2); short protein forms Q752E, Q684E.
Identifiers: ClinVar variation 1514642 (VCV001514642.8), dbSNP rs2131262339, ClinGen allele CA372763120.

ClinVar aggregate classification (germline): Uncertain significance (1 of 4 stars; one submission).

Conditions:
Combined immunodeficiency due to DOCK8 deficiency (HIES2). Also called: DOCK8 Deficiency; HIES autosomal recessive; Hyper-IgE recurrent infection syndrome, autosomal recessive; HYPER-IgE RECURRENT INFECTION SYNDROME 2, AUTOSOMAL RECESSIVE; HYPER-IgE SYNDROME 2, AUTOSOMAL RECESSIVE, WITH RECURRENT INFECTIONS. Identifiers: Orphanet 217390, MedGen C4722305, MONDO:0009478, OMIM 243700.

gnomAD v4.1: 1 of 1,614,078 alleles (0.000062%); no homozygotes.

Submission:

Labcorp Genetics (formerly Invitae), Labcorp
Classification: Uncertain significance for Combined immunodeficiency due to DOCK8 deficiency. Last evaluated: 2022-06-02. Review status: criteria provided, single submitter. Criteria: Invitae Variant Classification Sherloc (09022015). Collection method: clinical testing. Allele origin: germline.
Comment: In summary, the available evidence is currently insufficient to determine the role of this variant in disease. Therefore, it has been classified as a Variant of Uncertain Significance. Algorithms developed to predict the effect of missense changes on protein structure and function (SIFT, PolyPhen-2, Align-GVGD) all suggest that this variant is likely to be tolerated. ClinVar contains an entry for this variant (Variation ID: 1514642). This variant has not been reported in the literature in individuals affected with DOCK8-related conditions. This variant is not present in population databases (gnomAD no frequency). This sequence change replaces glutamine, which is neutral and polar, with glutamic acid, which is acidic and polar, at codon 752 of the DOCK8 protein (p.Gln752Glu).